The following is an entry in ClinVar:

NM_006440.5(TXNRD2):c.1195G>A (p.Val399Ile)

Gene: TXNRD2 (thioredoxin reductase 2; minus strand). Cytogenetic location: 22q11.21.
Variant type: single nucleotide variant.
Coding change: c.1195G>A on transcript NM_006440.5 (MANE Select); coding-DNA position 1195, G replaced by A.
Protein change: p.Val399Ile; replaces valine 399 with isoleucine.
Molecular consequence: missense variant. On other transcripts: non-coding transcript variant (1).
Genome position (GRCh38, 1-based): chr22:19,880,259, C>T on the plus strand (G>A on the coding strand, the complement: TXNRD2 is on the minus strand). VCF-style: chr22-19880259-C-T. GRCh37 (hg19) VCF-style: chr22-19867782-C-T.
Other names: c.1195G>A (NM_006440.4); c.1192G>A, p.Val398Ile (NM_001352300.2); c.1105G>A, p.Val369Ile (NM_001352301.2); c.907G>A, p.Val303Ile (NM_001352302.2); short protein forms V399I, V303I, V369I, V398I.
Identifiers: ClinVar variation 519102 (VCV000519102.19), dbSNP rs201222740, ClinGen allele CA10103743.

ClinVar aggregate classification (germline): Likely benign. Review status: criteria provided, multiple submitters, no conflicts (2 of 4 stars). 4 submissions from 4 submitters: Likely benign (3). 1 of the submissions does not count toward it. Last evaluated 2026-02-01.

Conditions:
Cardiovascular phenotype. Identifiers: MedGen CN230736.
TXNRD2-related disorder. Also called: TXNRD2-related condition.
Primary dilated cardiomyopathy (DCM). Also called: Dilated Cardiomyopathy. Identifiers: Orphanet 217604, MedGen C0007193, MeSH D002311, MONDO:0005021, HP:0001644. Inheritance: Various modes of inheritance.

Allele frequency attached by ClinVar (database versions not stated): gnomAD exomes 0.00030; ExAC 0.00035; 1000 Genomes Project 0.00060; 1000 Genomes Project 30x 0.00062; gnomAD 0.00094 and 0.00104; TOPMed 0.00103; ESP Exome Variant Server 0.00146.

Submissions (4):

Labcorp Genetics (formerly Invitae), Labcorp
Classification: Likely benign for Primary dilated cardiomyopathy. Last evaluated: 2026-02-01. Review status: criteria provided, single submitter. Criteria: Invitae Variant Classification Sherloc (09022015). Collection method: clinical testing. Allele origin: germline.

GeneDx
Classification: Likely benign. Last evaluated: 2020-12-03. Review status: criteria provided, single submitter. Criteria: GeneDx Variant Classification Process June 2021. Collection method: clinical testing. Allele origin: germline. Affected: yes.

Ambry Genetics
Classification: Likely benign for Cardiovascular phenotype. Last evaluated: 2016-07-11. Review status: criteria provided, single submitter. Criteria: Ambry Variant Classification Scheme 2023. Collection method: clinical testing. Allele origin: germline.

PreventionGenetics, part of Exact Sciences
Classification: Likely benign for TXNRD2-related condition. Last evaluated: 2022-08-16. Review status: no assertion criteria provided. Collection method: clinical testing. Allele origin: germline. Not counted in ClinVar's aggregate classification.
Comment: This variant is classified as likely benign based on ACMG/AMP sequence variant interpretation guidelines (Richards et al. 2015 PMID: 25741868, with internal and published modifications).